The following is an entry in ClinVar:

NM_000517.6(HBA2):c.99G>A (p.Met33Ile)

Genes: HBA2 (hemoglobin subunit alpha 2; plus strand), LOC106804612 (hemoglobin subunit alpha 2 recombination region; plus strand). Cytogenetic location: 16p13.3.
Variant type: single nucleotide variant.
Coding change: c.99G>A on transcript NM_000517.6 (MANE Select); coding-DNA position 99, G replaced by A.
Protein change: p.Met33Ile; replaces methionine 33 with isoleucine.
Molecular consequence: missense variant.
Genome position (GRCh38, 1-based): chr16:173,128, G>A. VCF-style: chr16-173128-G-A. GRCh37 (hg19) VCF-style: chr16-223127-G-A.
Other names: c.99G>A (NM_000517.4, NM_000517.5); short protein forms M33I.
Identifiers: ClinVar variation 811488 (VCV000811488.15), dbSNP rs41515552, ClinGen allele CA276414541.

ClinVar aggregate classification (germline): Pathogenic/Likely pathogenic. Review status: criteria provided, multiple submitters, no conflicts (2 of 4 stars). 4 submissions from 4 submitters: Pathogenic (3); Likely pathogenic (1). Last evaluated 2025-08-13.

Conditions:
HBA2-related disorder. Also called: HBA2-related condition.
alpha Thalassemia. Also called: Alpha thalassemia spectrum. Identifiers: Orphanet 846, MedGen C0002312, MONDO:0011399, OMIM 604131.

Allele frequency attached by ClinVar (database versions not stated): gnomAD 0.00001; gnomAD exomes 0.00001.
gnomAD v4.1: 6 of 670,388 alleles (0.0009%); highest among the groups gnomAD compares: Non-Finnish European, 0.00097%; no homozygotes.

Submissions (4):

Natera, Inc.
Classification: Likely pathogenic for Alpha thalassemia. Last evaluated: 2025-08-13. Review status: criteria provided, single submitter. Criteria: Natera Variant Classification Schema (03/2026). Collection method: clinical testing. Allele origin: germline.
Comment: The c.99G>A variant in HBA2 is a missense variant predicted to cause substitution of methionine to isoleucine at amino acid 33. This variant is rare in the general population with a frequency below the threshold expected for the associated phenotype(s). This variant has been observed in one or more individuals affected with the associated recessive disease, as either homozygous or compound heterozygous with a second variant (PMID: 16370485). Additionally, this variant has been observed to segregate in affected family members (PMID: 16370485). A different variant at the same position has been determined to be Pathogenic or Likely Pathogenic. Computational prediction algorithms indicate this variant is likely to affect gene or protein function. Given the available evidence, this variant is classified as Likely Pathogenic.

ARUP Laboratories, Molecular Genetics and Genomics, ARUP Laboratories
Classification: Pathogenic. Last evaluated: 2025-03-31. Review status: criteria provided, single submitter. Criteria: ARUP Molecular Germline Variant Investigation Process 2024. Collection method: clinical testing. Allele origin: germline.
Comment: The Hb Amsterdam variant (HBA2: c.99G>A; p.Met33Ile, also known as Met32Ile when numbered from the mature protein; rs41515552, HbVarID: 1235) is reported in the literature in several individuals with microcytic anemia who also carried the pathogenic â€“alpha3.7 deletion (Brennan 2017, Harteveld 2005, HbVar database). The Hb Amsterdam variant is absent from the Genome Aggregation Database, indicating it is not a common polymorphism. The methionine at codon 33 is moderately conserved and it occurs in a region important for alpha-beta globin contacts (Harteveld 2005) and is also predicted to interact with the alpha globin heme group (Brennan 2017). Functional analysis of patient samples containing this variant indicate it is highly unstable (Brennan 2017). Additionally, other amino acid substitutions at this codon (p.Met33Arg, p.Met33Lys) have been reported in individuals with microcytic anemia and are considered disease-causing (Giordano 2010, Phylipsen 2010). Based on available information, the Hb Amsterdam variant is considered to be pathogenic. References: Link to HbVar database: Brennan SO et al. Hb Amsterdam-A1 [a32(B13)Met?Ile; HBA1: c.99G>A]: A Hyperunstable Variant Due to a New Mutation on the a1 Gene. Hemoglobin. 2017 Mar;41(2):140-143. PMID: 28696843. Giordano PC et al. Codon 24 (TAT>TAG) and codon 32 (ATG>AGG) (Hb Rotterdam): two novel alpha2 gene mutations associated with mild alpha-thalassemia found in the same family after newborn screening. Hemoglobin. 2010;34(4):354-65. PMID: 20642333. Harteveld CL et al. Hb Amsterdam [alpha32(B13)Met--Ile (alpha2)]: a new unstable variant associated with an alpha-thalassemia phenotype and a new African polymorphism. Hemoglobin. 2005;29(4):257-62. PMID: 16370485. Phylipsen M et al. Two new alpha1-globin gene point mutations: Hb Nedlands (HBA1:c.86C>T) [alpha28(B9)Ala-->Val] and Hb Queens Park (HBA1:c.98T>A) [alpha32(B13)Met-->Lys]. Hemoglobin. 2010 Jan;34(2):123-6. PMID: 20353346.

Quest Diagnostics Nichols Institute San Juan Capistrano
Classification: Pathogenic. Last evaluated: 2023-10-26. Review status: criteria provided, single submitter. Criteria: Quest Diagnostics criteria. Collection method: clinical testing. Allele origin: unknown.
Comment: The HBA2 c.99G>A (p.Met33Ile) variant, also known as Hb Amsterdam, has been reported in the published literature in individuals with microcytic hypochromic thalassemic phenotype (PMID: 28696843 (2017), 16370485 (2005)). Experimental studies showed that this variant is unstable with very low levels of expression (PMID: 28696843 (2017)) and has also been previously described as a hyper unstable variant due to low abundance (HbVar). This variant has not been reported in large, multi-ethnic general populations (Genome Aggregation Database). Based on the available information, this variant is classified as pathogenic.

PreventionGenetics, part of Exact Sciences
Classification: Pathogenic for HBA2-related condition. Last evaluated: 2023-09-14. Review status: criteria provided, single submitter. Criteria: ACMG Guidelines, 2015. Collection method: clinical testing. Allele origin: germline.
Comment: The HBA2 c.99G>A variant is predicted to result in the amino acid substitution p.Met33Ile. This variant, also referred to as Hb Amsterdam or Met32Ile using legacy nomenclature, has been reported in individuals with moderate microcytic hypochromic anemia who also carry the common -a3.7 deletion (Harteveld et al 2005. PubMed ID: 16370485). Functional studies of this variant confirmed as hyperunstable (Brennan et al. 2017. PubMed ID: 28696843). This variant has not been reported in a large population database, indicating this variant is rare. A different substitution affecting the same amino acid (p.Met33Arg) has been reported to be causative for microcytic anemia ((Human Gene Mutation Database). This variant is interpreted as pathogenic.

Literature cited by the submitters: PubMed 16370485 (cited by Natera, Inc. and Quest Diagnostics Nichols Institute San Juan Capistrano); PubMed 22384838 (cited by Quest Diagnostics Nichols Institute San Juan Capistrano); PubMed 20507641 (cited by Quest Diagnostics Nichols Institute San Juan Capistrano); PubMed 28696843 (cited by Quest Diagnostics Nichols Institute San Juan Capistrano).